The following is an entry in ClinVar:

NM_001127222.2(CACNA1A):c.6097C>T (p.Gln2033Ter)

Gene: CACNA1A (calcium voltage-gated channel subunit alpha1 A; minus strand). Cytogenetic location: 19p13.13.
Variant type: single nucleotide variant.
Coding change: c.6097C>T on transcript NM_001127222.2 (MANE Select); coding-DNA position 6097, C replaced by T.
Protein change: p.Gln2033Ter; replaces glutamine 2033 with a stop codon.
Molecular consequence: nonsense.
Genome position (GRCh38, 1-based): chr19:13,212,476, G>A on the plus strand (C>T on the coding strand, the complement: CACNA1A is on the minus strand). VCF-style: chr19-13212476-G-A. GRCh37 (hg19) VCF-style: chr19-13323290-G-A.
Other names: c.6115C>T, p.Gln2039Ter (NM_000068.4, NM_023035.3); c.6100C>T, p.Gln2034Ter (NM_001127221.2); c.6106C>T, p.Gln2036Ter (NM_001174080.2); short protein forms Q2033*, Q2034*, Q2036*, Q2039*.
Identifiers: ClinVar variation 1253847 (VCV001253847.5), dbSNP rs2144524927, ClinGen allele CA404332989.

ClinVar aggregate classification (germline): Pathogenic (1 of 4 stars; one submission).

Submission:

GeneDx
Classification: Pathogenic. Last evaluated: 2025-10-17. Review status: criteria provided, single submitter. Criteria: GeneDx Variant Classification Process June 2021. Collection method: clinical testing. Allele origin: germline. Affected: yes.
Comment: Nonsense variant predicted to result in protein truncation or nonsense mediated decay in a gene for which loss of function is a known mechanism of disease; Not observed at significant frequency in large population cohorts (gnomAD); This variant is associated with the following publications: (PMID: 25525159, 33310205, 14718690)